The following is an entry in ClinVar:

ClinVar aggregate classification (germline): Pathogenic. Review status: criteria provided, multiple submitters, no conflicts (2 of 4 stars). 4 submissions from 4 submitters: Pathogenic (4). Last evaluated 2026-02-03.

Conditions:
Hereditary cancer-predisposing syndrome. Also called: Tumor predisposition; Neoplastic Syndromes, Hereditary; Hereditary neoplastic syndrome; Hereditary Cancer Syndrome. Identifiers: Orphanet 140162, MedGen C0027672, MeSH D009386, MONDO:0015356.
Ataxia-telangiectasia syndrome (AT). Also called: Ataxia-telangiectasia, complementation group D; AT, COMPLEMENTATION GROUP C; ATAXIA-TELANGIECTASIA, COMPLEMENTATION GROUP A; ATAXIA-TELANGIECTASIA, FRESNO VARIANT; Ataxia-telangiectasia; Ataxia telangiectasia (A-T). Identifiers: Orphanet 100, MedGen C0004135, MONDO:0008840, OMIM 208900.
Familial cancer of breast. Also called: Hereditary breast cancer; hereditary breast carcinoma; BREAST CANCER, FAMILIAL. Identifiers: Orphanet 227535, MedGen C0346153, MONDO:0016419, OMIM 114480. Disease mechanism: loss of function.

Submissions (4):

Myriad Genetics, Inc.
Classification: Pathogenic for Familial cancer of breast. Last evaluated: 2026-02-03. Review status: criteria provided, single submitter. Criteria: Myriad Autosomal Dominant, Autosomal Recessive and X-Linked Classification Criteria (2023). Collection method: clinical testing. Allele origin: unknown.
Comment: This variant is considered pathogenic. This variant creates a frameshift predicted to result in premature protein truncation.

Labcorp Genetics (formerly Invitae), Labcorp
Classification: Pathogenic for Ataxia-telangiectasia syndrome. Last evaluated: 2024-04-02. Review status: criteria provided, single submitter. Criteria: Invitae Variant Classification Sherloc (09022015). Collection method: clinical testing. Allele origin: germline.
Comment: This sequence change creates a premature translational stop signal (p.Arg2612Glyfs*19) in the ATM gene. It is expected to result in an absent or disrupted protein product. Loss-of-function variants in ATM are known to be pathogenic (PMID: 23807571, 25614872). This variant is not present in population databases (gnomAD no frequency). This variant has not been reported in the literature in individuals affected with ATM-related conditions. ClinVar contains an entry for this variant (Variation ID: 971065). For these reasons, this variant has been classified as Pathogenic.

Women's Health and Genetics/Laboratory Corporation of America, LabCorp
Classification: Pathogenic for Ataxia-telangiectasia syndrome. Last evaluated: 2023-06-29. Review status: criteria provided, single submitter. Criteria: LabCorp Variant Classification Summary - May 2015. Collection method: clinical testing. Allele origin: germline.
Comment: Variant summary: ATM c.7834delA (p.Arg2612GlyfsX19) results in a premature termination codon, predicted to cause a truncation of the encoded protein or absence of the protein due to nonsense mediated decay, which are commonly known mechanisms for disease. The variant was absent in 250816 control chromosomes (gnomAD). To our knowledge, no occurrence of c.7834delA in individuals affected with Ataxia-Telangiectasia and no experimental evidence demonstrating its impact on protein function have been reported. Two ClinVar submitters have assessed the variant since 2014: both classified the variant as pathogenic. Based on the evidence outlined above, the variant was classified as pathogenic.

Ambry Genetics
Classification: Pathogenic for Hereditary cancer-predisposing syndrome. Last evaluated: 2015-11-19. Review status: criteria provided, single submitter. Criteria: Ambry Variant Classification Scheme 2023. Collection method: clinical testing. Allele origin: germline.
Comment: The c.7834delA pathogenic mutation, located in coding exon 52 of the ATM gene, results from a deletion of one nucleotide at nucleotide position 7834, causing a translational frameshift with a predicted alternate stop codon. Since frameshifts are typically deleterious in nature, this alteration is interpreted as a disease-causing mutation (ACMG Recommendations for Standards for Interpretation and Reporting of Sequence Variations. Revision 2007. Genet Med. 2008;10:294).

Literature cited by the submitters: PubMed 23807571 (cited by Labcorp Genetics (formerly Invitae), Labcorp); PubMed 25614872 (cited by Labcorp Genetics (formerly Invitae), Labcorp).

NM_000051.4(ATM):c.7834del (p.Arg2612fs)

Genes: ATM (ATM serine/threonine kinase; plus strand), C11orf65 (chromosome 11 open reading frame 65; minus strand). Cytogenetic location: 11q22.3.
Variant type: Deletion.
Coding change: c.7834del on transcript NM_000051.4 (MANE Select); coding-DNA position 7834, one base deleted (A; older notation c.7834delA).
Protein change: p.Arg2612fs; shifts the reading frame from arginine 2612.
Molecular consequence: frameshift variant. On other transcripts: intron variant (2).
Genome position (GRCh38, 1-based): chr11:108,332,807, A deleted. VCF-style (leftmost placement, unchanged base first): chr11-108332806-TA-T. GRCh37 (hg19) VCF-style: chr11-108203533-TA-T.
Other names: c.7834delA, p.Arg2612Glyfs (NM_000051.3); c.7834del, p.Arg2612fs (NM_001351834.2); c.641-23736del (NM_001330368.2); c.*38+2413del (NM_001351110.2); short protein forms R2612fs.
Identifiers: ClinVar variation 971065 (VCV000971065.12), dbSNP rs2086411154, ClinGen allele CA1139662184.